The following is an entry in ClinVar:

NM_014251.3(SLC25A13):c.675G>T (p.Ser225=)

Gene: SLC25A13 (solute carrier family 25 member 13; minus strand). Cytogenetic location: 7q21.3.
Variant type: single nucleotide variant.
Coding change: c.675G>T on transcript NM_014251.3 (MANE Select); coding-DNA position 675, G replaced by T.
Protein change: p.Ser225=; no amino-acid change (serine 225 retained).
Molecular consequence: synonymous variant. On other transcripts: non-coding transcript variant (1).
Genome position (GRCh38, 1-based): chr7:96,191,188, C>A on the plus strand (G>T on the coding strand, the complement: SLC25A13 is on the minus strand). VCF-style: chr7-96191188-C-A. GRCh37 (hg19) VCF-style: chr7-95820500-C-A.
Other names: c.675G>T (NM_014251.2); c.675G>T, p.Ser225= (NM_001160210.2).
Identifiers: ClinVar variation 1153674 (VCV001153674.10), dbSNP rs78247004, ClinGen allele CA456510995.
Genomic context (GRCh38, chr7:96,191,188, plus strand): 5'-TTTCCTGGTGCCAGCCAGAGTGCTATAGATCTTTCTAATGAGTTCCATGTTGTTAAGGAG[C>A]GAATTAAATCCATTAAAATAGGAGAAACTAACTTGATGGGATGTGGTACCTCCAGCAGCC-3'
Protein context (NP_055066.1, residues 215-235): VSFSYFNGFN[Ser225=]LLNNMELIRK

ClinVar aggregate classification (germline): Likely benign. Review status: criteria provided, multiple submitters, no conflicts (2 of 4 stars). 2 submissions from 2 submitters: Likely benign (2). Last evaluated 2026-07-13.

Conditions:
Citrin deficiency. Identifiers: Orphanet 247582, MedGen C1997910, MONDO:0016602.
SLC25A13-related disorder. Also called: SLC25A13-related condition.

gnomAD v4.1: 5 of 1,613,758 alleles (0.00031%); highest among the groups gnomAD compares: Admixed American, 0.0033%; no homozygotes.

Submissions (2):

PreventionGenetics, part of Exact Sciences
Classification: Likely benign for SLC25A13-related condition. Last evaluated: 2026-07-13. Review status: criteria provided, single submitter. Criteria: ACMG Guidelines, 2015. Collection method: clinical testing. Allele origin: germline.
Comment: This variant is classified as likely benign based on ACMG/AMP sequence variant interpretation guidelines (Richards et al. 2015 PMID: 25741868, with internal and published modifications).

Labcorp Genetics (formerly Invitae), Labcorp
Classification: Likely benign for Citrin deficiency. Last evaluated: 2025-10-24. Review status: criteria provided, single submitter. Criteria: Invitae Variant Classification Sherloc (09022015). Collection method: clinical testing. Allele origin: germline.